The following is an entry in ClinVar:

ClinVar aggregate classification (germline): Uncertain significance. Review status: criteria provided, multiple submitters, no conflicts (2 of 4 stars). 2 submissions from 2 submitters: Uncertain significance (2). Last evaluated 2024-07-16.

Conditions:
Meier-Gorlin syndrome 4 (MGORS4). Identifiers: Orphanet 2554, MedGen C3151120, MONDO:0013431, OMIM 613804.

Allele frequency attached by ClinVar (database versions not stated): gnomAD 0.00001; ExAC 0.00004; TOPMed 0.00004; gnomAD exomes 0.00005; ESP Exome Variant Server 0.00008.

Submissions (2):

Labcorp Genetics (formerly Invitae), Labcorp
Classification: Uncertain significance. Last evaluated: 2024-07-16. Review status: criteria provided, single submitter. Criteria: Invitae Variant Classification Sherloc (09022015). Collection method: clinical testing. Allele origin: germline.
Comment: This sequence change replaces glycine, which is neutral and non-polar, with arginine, which is basic and polar, at codon 281 of the CDT1 protein (p.Gly281Arg). The frequency data for this variant in the population databases is considered unreliable, as metrics indicate poor data quality at this position in the gnomAD database. This variant has not been reported in the literature in individuals affected with CDT1-related conditions. ClinVar contains an entry for this variant (Variation ID: 1421268). An algorithm developed to predict the effect of missense changes on protein structure and function (PolyPhen-2) suggests that this variant is likely to be disruptive. In summary, the available evidence is currently insufficient to determine the role of this variant in disease. Therefore, it has been classified as a Variant of Uncertain Significance.

Fulgent Genetics
Classification: Uncertain significance for Meier-Gorlin syndrome 4. Last evaluated: 2023-12-29. Review status: criteria provided, single submitter. Criteria: ACMG Guidelines, 2015. Collection method: clinical testing. Allele origin: germline.

NM_030928.4(CDT1):c.841G>A (p.Gly281Arg)

Gene: CDT1 (chromatin licensing and DNA replication factor 1; plus strand). Cytogenetic location: 16q24.3.
Variant type: single nucleotide variant.
Coding change: c.841G>A on transcript NM_030928.4 (MANE Select); coding-DNA position 841, G replaced by A.
Protein change: p.Gly281Arg; replaces glycine 281 with arginine.
Molecular consequence: missense variant.
Genome position (GRCh38, 1-based): chr16:88,806,029, G>A. VCF-style: chr16-88806029-G-A. GRCh37 (hg19) VCF-style: chr16-88872437-G-A.
Other names: short protein forms G281R.
Identifiers: ClinVar variation 1421268 (VCV001421268.6), dbSNP rs368718178, ClinGen allele CA8233872.